The following is an entry in ClinVar:

ClinVar aggregate classification (germline): Likely benign (1 of 4 stars; one submission).

Submission:

CeGaT Center for Human Genetics Tuebingen
Classification: Likely benign. Last evaluated: 2026-01-01. Review status: criteria provided, single submitter. Criteria: CeGaT Center For Human Genetics Tuebingen Variant Classification Criteria Version 2. Collection method: clinical testing. Allele origin: germline. Affected: yes. Observed: 1 variant allele.
Comment: AHNAK2: BP4, BP7

NM_138420.4(AHNAK2):c.4146C>T (p.Ser1382=)

Gene: AHNAK2 (AHNAK nucleoprotein 2; minus strand). Cytogenetic location: 14q32.33.
Variant type: single nucleotide variant.
Coding change: c.4146C>T on transcript NM_138420.4 (MANE Select); coding-DNA position 4146, C replaced by T.
Protein change: p.Ser1382=; no amino-acid change (serine 1382 retained).
Molecular consequence: synonymous variant.
Genome position (GRCh38, 1-based): chr14:104,951,305, G>A on the plus strand (C>T on the coding strand, the complement: AHNAK2 is on the minus strand). VCF-style: chr14-104951305-G-A. GRCh37 (hg19) VCF-style: chr14-105417642-G-A.
Other names: c.3846C>T, p.Ser1282= (NM_001350929.2).
Identifiers: ClinVar variation 4821597 (VCV004821597.4).